The following is an entry in ClinVar:

NM_030787.4(CFHR5):c.1145C>T (p.Thr382Ile)

Gene: CFHR5 (complement factor H related 5; plus strand). Cytogenetic location: 1q31.3.
Variant type: single nucleotide variant.
Coding change: c.1145C>T on transcript NM_030787.4 (MANE Select); coding-DNA position 1145, C replaced by T.
Protein change: p.Thr382Ile; replaces threonine 382 with isoleucine.
Molecular consequence: missense variant.
Genome position (GRCh38, 1-based): chr1:196,998,302, C>T. VCF-style: chr1-196998302-C-T. GRCh37 (hg19) VCF-style: chr1-196967432-C-T.
Other names: short protein forms T382I.
Identifiers: ClinVar variation 4735046 (VCV004735046.1).
Genomic context (GRCh38, chr1:196,998,302, plus strand): 5'-TCTTCAGATACAGGCACTCAGTCTGTATAAACGGGAAATGGAATCCTGAAGTAGACTGCA[C>T]AGGTAAGATTTGTTTAAAACATTTTGTTGATCTTGTTGCTTCTTTACAAGAAAAATTATT-3'
Protein context (NP_110414.1, residues 372-392): NGKWNPEVDC[Thr382Ile]EKREQFCPPP

ClinVar aggregate classification (germline): Uncertain significance (1 of 4 stars; one submission).

gnomAD v4.1: 1 of 1,609,480 alleles (0.000062%); highest among the groups gnomAD compares: Non-Finnish European, 0.000085%; no homozygotes.

Submission:

Labcorp Genetics (formerly Invitae), Labcorp
Classification: Uncertain significance. Last evaluated: 2026-01-11. Review status: criteria provided, single submitter. Criteria: Invitae Variant Classification Sherloc (09022015). Collection method: clinical testing. Allele origin: germline.
Comment: This sequence change replaces threonine, which is neutral and polar, with isoleucine, which is neutral and non-polar, at codon 382 of the CFHR5 protein (p.Thr382Ile). This variant is not present in population databases (gnomAD no frequency). This variant has not been reported in the literature in individuals affected with CFHR5-related conditions. An algorithm developed to predict the effect of missense changes on protein structure and function (PolyPhen-2) suggests that this variant is likely to be tolerated. In summary, the available evidence is currently insufficient to determine the role of this variant in disease. Therefore, it has been classified as a Variant of Uncertain Significance.